The following is an entry in ClinVar:

NM_006133.3(DAGLA):c.241A>G (p.Met81Val)

Gene: DAGLA (diacylglycerol lipase alpha; plus strand). Cytogenetic location: 11q12.2.
Variant type: single nucleotide variant.
Coding change: c.241A>G on transcript NM_006133.3 (MANE Select); coding-DNA position 241, A replaced by G.
Protein change: p.Met81Val; replaces methionine 81 with valine.
Molecular consequence: missense variant.
Genome position (GRCh38, 1-based): chr11:61,720,824, A>G. VCF-style: chr11-61720824-A-G. GRCh37 (hg19) VCF-style: chr11-61488296-A-G.
Other names: short protein forms M81V.
Identifiers: ClinVar variation 3371020 (VCV003371020.1).

ClinVar aggregate classification (germline): Uncertain significance (1 of 4 stars; one submission).

gnomAD v4.1: 1 of 1,613,696 alleles (0.000062%); highest among the groups gnomAD compares: Non-Finnish European, 0.000085%; no homozygotes.

Submission:

GeneDx
Classification: Uncertain significance. Last evaluated: 2024-03-28. Review status: criteria provided, single submitter. Criteria: GeneDx Variant Classification Process June 2021. Collection method: clinical testing. Allele origin: germline. Affected: yes.
Comment: Not observed at significant frequency in large population cohorts (gnomAD); In silico analysis supports that this missense variant does not alter protein structure/function; Has not been previously published as pathogenic or benign to our knowledge.